The following is an entry in ClinVar:

ClinVar aggregate classification (germline): Likely benign. Review status: criteria provided, single submitter (1 of 4 stars). 2 submissions from 2 submitters: Likely benign (1). 1 of the submissions does not count toward it. Last evaluated 2025-12-02.

Conditions:
C8B-related disorder. Also called: C8B-related condition.

Allele frequency attached by ClinVar (database versions not stated): gnomAD 0.00001 and 0.00005; TOPMed 0.00003; 1000 Genomes Project 30x 0.00031; 1000 Genomes Project 0.00040; gnomAD exomes 0.00046; ExAC 0.00048.
gnomAD v4.1: 301 of 1,613,948 alleles (0.019%); highest among the groups gnomAD compares: South Asian, 0.31%; 6 homozygotes.

Submissions (2):

Labcorp Genetics (formerly Invitae), Labcorp
Classification: Likely benign. Last evaluated: 2025-12-02. Review status: criteria provided, single submitter. Criteria: Invitae Variant Classification Sherloc (09022015). Collection method: clinical testing. Allele origin: germline.

PreventionGenetics, part of Exact Sciences
Classification: Likely benign for C8B-related condition. Last evaluated: 2024-02-22. Review status: no assertion criteria provided. Collection method: clinical testing. Allele origin: germline. Not counted in ClinVar's aggregate classification.
Comment: This variant is classified as likely benign based on ACMG/AMP sequence variant interpretation guidelines (Richards et al. 2015 PMID: 25741868, with internal and published modifications).

NM_000066.4(C8B):c.1437T>A (p.Phe479Leu)

Gene: C8B (complement C8 beta chain; minus strand). Cytogenetic location: 1p32.2.
Variant type: single nucleotide variant.
Coding change: c.1437T>A on transcript NM_000066.4 (MANE Select); coding-DNA position 1437, T replaced by A.
Protein change: p.Phe479Leu; replaces phenylalanine 479 with leucine.
Molecular consequence: missense variant.
Genome position (GRCh38, 1-based): chr1:56,933,450, A>T on the plus strand (T>A on the coding strand, the complement: C8B is on the minus strand). VCF-style: chr1-56933450-A-T. GRCh37 (hg19) VCF-style: chr1-57399123-A-T.
Other names: c.1281T>A, p.Phe427Leu (NM_001278543.2); c.1251T>A, p.Phe417Leu (NM_001278544.2); short protein forms F427L, F479L, F417L.
Identifiers: ClinVar variation 793337 (VCV000793337.11), dbSNP rs554618167, ClinGen allele CA875632.